The following is an entry in ClinVar:

ClinVar aggregate classification (germline): Uncertain significance (1 of 4 stars; one submission).

Conditions:
Long QT syndrome (LQTS). Identifiers: MedGen C0023976, MeSH D008133, MONDO:0002442. Disease mechanism: loss of function. Inheritance: Various modes of inheritance.

Submission:

Labcorp Genetics (formerly Invitae), Labcorp
Classification: Uncertain significance for Long QT syndrome. Last evaluated: 2024-09-17. Review status: criteria provided, single submitter. Criteria: Invitae Variant Classification Sherloc (09022015). Collection method: clinical testing. Allele origin: germline.
Comment: This sequence change replaces glutamic acid, which is acidic and polar, with leucine, which is neutral and non-polar, at codon 3347 of the AKAP9 protein (p.Glu3347Leu). This variant is present in population databases (no rsID available, gnomAD 0.02%). This variant has not been reported in the literature in individuals affected with AKAP9-related conditions. An algorithm developed to predict the effect of missense changes on protein structure and function (PolyPhen-2) suggests that this variant is likely to be disruptive. In summary, the available evidence is currently insufficient to determine the role of this variant in disease. Therefore, it has been classified as a Variant of Uncertain Significance.

NM_005751.5(AKAP9):c.10039_10040delinsTT (p.Glu3347Leu)

Gene: AKAP9 (A-kinase anchoring protein 9; plus strand). Cytogenetic location: 7q21.2.
Variant type: Indel.
Coding change: c.10039_10040delinsTT on transcript NM_005751.5 (MANE Select); coding-DNA positions 10039 to 10040, GA replaced by TT.
Protein change: p.Glu3347Leu; replaces glutamic acid 3347 with leucine.
Molecular consequence: missense variant.
Genome position (GRCh38, 1-based): chr7:92,096,998-92,096,999, GA replaced by TT. VCF-style: chr7-92096998-GA-TT. GRCh37 (hg19) VCF-style: chr7-91726312-GA-TT.
Other names: c.4684_4685delinsTT, p.Glu1562Leu (NM_001379277.1); c.10015_10016delinsTT, p.Glu3339Leu (NM_147185.3); short protein forms E3339L, E1562L, E3347L.
Identifiers: ClinVar variation 3730741 (VCV003730741.2).
Genomic context (GRCh38, chr7:92,096,998, plus strand): 5'-CAGAGCAGTGATGGTACTGGACAGTCTCGGCCACCCTTGCCCTCAGAGGACCTACTGAAA[GA>TT]GCTGCAGAAACAGCTAGAGGAAAAACACAGTCGCATAGTAGAATTGTTAAATGAGACTGA-3'
Protein context (NP_005742.4, residues 3337-3357): PPLPSEDLLK[Glu3347Leu]LQKQLEEKHS